The following is an entry in ClinVar:

ClinVar aggregate classification (germline): Benign. Review status: criteria provided, multiple submitters, no conflicts (2 of 4 stars). 2 submissions from 2 submitters: Benign (2). Last evaluated 2018-06-19.

Allele frequency attached by ClinVar (database versions not stated): gnomAD exomes 0.00961; gnomAD 0.10132 and 0.10840; 1000 Genomes Project 0.10803; TOPMed 0.11313; 1000 Genomes Project 30x 0.11633.
gnomAD v4.1: 18,407 of 449,844 alleles (4.1%); highest among the groups gnomAD compares: African/African-American, 35%; 3,159 homozygotes.

Submissions (2):

GeneDx
Classification: Benign. Last evaluated: 2018-06-19. Review status: criteria provided, single submitter. Criteria: GeneDx Variant Classification (06012015). Collection method: clinical testing. Allele origin: germline. Affected: yes.
Comment: This variant is considered likely benign or benign based on one or more of the following criteria: it is a conservative change, it occurs at a poorly conserved position in the protein, it is predicted to be benign by multiple in silico algorithms, and/or has population frequency not consistent with disease.

Breakthrough Genomics
Classification: Benign. Review status: criteria provided, single submitter. Criteria: ACMG Guidelines, 2015. Collection method: not provided. Allele origin: germline. Inheritance: Unknown mechanism. Affected: yes.

NM_000748.3(CHRNB2):c.-214A>G

Gene: CHRNB2 (cholinergic receptor nicotinic beta 2 subunit; plus strand). Cytogenetic location: 1q21.3.
Variant type: single nucleotide variant.
Coding change: c.-214A>G on transcript NM_000748.3 (MANE Select); 214 bases upstream of the start codon, A replaced by G.
Molecular consequence: 5 prime UTR variant.
Genome position (GRCh38, 1-based): chr1:154,567,831, A>G. VCF-style: chr1-154567831-A-G. GRCh37 (hg19) VCF-style: chr1-154540307-A-G.
Identifiers: ClinVar variation 670760 (VCV000670760.2), dbSNP rs12062049, ClinGen allele CA16066913.
Genomic context (GRCh38, chr1:154,567,831, plus strand): 5'-GGGGCGCAGACTCCTCCCCCTCACCGTCCCAATTGTATTCCCTGGAAGAGCAGCCGGAAA[A>G]GCCTCCGCCTGCTCATACCAGGATAGGCAAGAAGCTGGTTTCTCCTCGCAGCCGGCTCCC-3'